The following is an entry in ClinVar:

NM_020717.5(SHROOM4):c.841del (p.Asp281fs)

Gene: SHROOM4 (shroom family member 4; minus strand). Cytogenetic location: Xp11.22.
Variant type: Deletion.
Coding change: c.841del on transcript NM_020717.5 (MANE Select); coding-DNA position 841, one base deleted (G; older notation c.841delG).
Protein change: p.Asp281fs; shifts the reading frame from aspartic acid 281.
Molecular consequence: frameshift variant. On other transcripts: non-coding transcript variant (4).
Genome position (GRCh38, 1-based): chrX:50,635,232, C deleted on the plus strand (G on the coding strand, the reverse complement: SHROOM4 is on the minus strand); the first of 3 consecutive C bases (chrX:50,635,232-50,635,234); deleting any one gives the same sequence. VCF-style (leftmost placement, unchanged base first): chrX-50635231-TC-T. GRCh37 (hg19) VCF-style: chrX-50378231-TC-T.
Other names: short protein forms D281fs.
Identifiers: ClinVar variation 4845543 (VCV004845543.1).
Genomic context (GRCh38, chrX:50,635,231, plus strand): 5'-GGCTCAGATGCCCTGCGCTGCTCTCCATTGAGGAGTTGGGCTCTGGAGGCCTGAAGGCTG[TC>T]CCGCCTCACTGGAGGTTGTGGTGGGCCCCTGACTGCTTTGGCGGGCCCTGACTGGTATCC-3'

ClinVar aggregate classification (germline): Uncertain significance (1 of 4 stars; one submission).

Submission:

Greenwood Genetic Center Diagnostic Laboratories, Greenwood Genetic Center
Classification: Uncertain significance. Last evaluated: 2025-12-17. Review status: criteria provided, single submitter. Criteria: ACMG Guidelines, 2015. Collection method: clinical testing. Allele origin: germline. Affected: yes.
Comment: PM2